The following is an entry in ClinVar:

NM_003924.4(PHOX2B):c.79G>C (p.Ala27Pro)

Genes: PHOX2B (paired like homeobox 2B; minus strand), PHOX2B-AS1 (PHOX2B antisense RNA 1; plus strand). Cytogenetic location: 4p13.
Variant type: single nucleotide variant.
Coding change: c.79G>C on transcript NM_003924.4 (MANE Select); coding-DNA position 79, G replaced by C.
Protein change: p.Ala27Pro; replaces alanine 27 with proline.
Molecular consequence: missense variant. On other transcripts: non-coding transcript variant (1).
Genome position (GRCh38, 1-based): chr4:41,748,532, C>G on the plus strand (G>C on the coding strand, the complement: PHOX2B is on the minus strand). VCF-style: chr4-41748532-C-G. GRCh37 (hg19) VCF-style: chr4-41750549-C-G.
Other names: short protein forms A27P.
Identifiers: ClinVar variation 5026570 (VCV005026570.1).

ClinVar aggregate classification (germline): Uncertain significance (1 of 4 stars; one submission).

Conditions:
Hereditary cancer-predisposing syndrome. Also called: Neoplastic Syndromes, Hereditary; Tumor predisposition; Hereditary neoplastic syndrome; Hereditary Cancer Syndrome. Identifiers: Orphanet 140162, MedGen C0027672, MeSH D009386, MONDO:0015356.

Submission:

Ambry Genetics
Classification: Uncertain significance for Hereditary cancer-predisposing syndrome. Last evaluated: 2026-07-06. Review status: criteria provided, single submitter. Criteria: Ambry Variant Classification Scheme 2023. Collection method: clinical testing. Allele origin: germline.
Comment: The p.A27P variant (also known as c.79G>C), located in coding exon 1 of the PHOX2B gene, results from a G to C substitution at nucleotide position 79. The alanine at codon 27 is replaced by proline, an amino acid with highly similar properties. This amino acid position is conserved. In addition, this alteration is predicted to be deleterious by in silico analysis. Based on the available evidence, the clinical significance of this variant remains unclear.